The following is an entry in ClinVar:

NM_001271938.2(MEGF8):c.3223G>A (p.Val1075Met)

Gene: MEGF8 (multiple EGF like domains 8; plus strand). Cytogenetic location: 19q13.2.
Variant type: single nucleotide variant.
Coding change: c.3223G>A on transcript NM_001271938.2 (MANE Select); coding-DNA position 3223, G replaced by A.
Protein change: p.Val1075Met; replaces valine 1075 with methionine.
Molecular consequence: missense variant.
Genome position (GRCh38, 1-based): chr19:42,352,329, G>A. VCF-style: chr19-42352329-G-A. GRCh37 (hg19) VCF-style: chr19-42856481-G-A.
Other names: c.3022G>A, p.Val1008Met (NM_001410.3); short protein forms V1008M, V1075M.
Identifiers: ClinVar variation 2505755 (VCV002505755.1), dbSNP rs1349909441, ClinGen allele CA406104088.

ClinVar aggregate classification (germline): Uncertain significance (1 of 4 stars; one submission).

Allele frequency attached by ClinVar (database versions not stated): gnomAD exomes 0.00002; TOPMed 0.00004; gnomAD 0.00005.
gnomAD v4.1: 36 of 1,584,184 alleles (0.0023%); highest among the groups gnomAD compares: Admixed American, 0.023%; no homozygotes.

Submission:

GeneDx
Classification: Uncertain significance. Last evaluated: 2022-12-13. Review status: criteria provided, single submitter. Criteria: GeneDx Variant Classification Process June 2021. Collection method: clinical testing. Allele origin: germline. Affected: yes.
Comment: In silico analysis supports that this missense variant has a deleterious effect on protein structure/function; Has not been previously published as pathogenic or benign to our knowledge